The following is an entry in ClinVar:

NM_002890.3(RASA1):c.224G>C (p.Gly75Ala)

Gene: RASA1 (RAS p21 protein activator 1; plus strand). Cytogenetic location: 5q14.3.
Variant type: single nucleotide variant.
Coding change: c.224G>C on transcript NM_002890.3 (MANE Select); coding-DNA position 224, G replaced by C.
Protein change: p.Gly75Ala; replaces glycine 75 with alanine.
Molecular consequence: missense variant.
Genome position (GRCh38, 1-based): chr5:87,268,675, G>C. VCF-style: chr5-87268675-G-C. GRCh37 (hg19) VCF-style: chr5-86564492-G-C.
Other names: short protein forms G75A.
Identifiers: ClinVar variation 354505 (VCV000354505.42), dbSNP rs200002693, ClinGen allele CA3335352.
Genomic context (GRCh38, chr5:87,268,675, plus strand): 5'-CCGGAGTGGCTGGAACTCTGGGTGGCGGAGCCGCTTTGGGGTCAGAGTTCCTAGGAGCCG[G>C]GTCTGTGGCAGGGGCACTGGGGGGAGCTGGACTGACAGGGGGAGGTACTGCTGCTGGCGT-3'
Protein context (NP_002881.1, residues 65-85): AALGSEFLGA[Gly75Ala]SVAGALGGAG

ClinVar aggregate classification (germline): Benign/Likely benign. Review status: criteria provided, multiple submitters, no conflicts (2 of 4 stars). 7 submissions from 7 submitters: Benign (3); Likely benign (3). 1 of the submissions does not count toward it. Last evaluated 2026-01-21.

Conditions:
RASA1-related disorder. Also called: RASA1-related condition.
Cardiovascular phenotype. Identifiers: MedGen CN230736.
Capillary malformation-arteriovenous malformation 1 (CMAVM1). Identifiers: Orphanet 137667, Orphanet 693907, MedGen C4747394, MONDO:0020783, OMIM 608354.
Basal cell carcinoma, susceptibility to, 1. Also called: BCC1. Identifiers: MedGen C2751544, MONDO:0011556, OMIM 605462.
Capillary malformation-arteriovenous malformation syndrome. Also called: Capillary malformation-arteriovenous malformation. Identifiers: Orphanet 137667, MedGen C1842180, MONDO:0012016.

Allele frequency attached by ClinVar (database versions not stated): gnomAD 0.00025 and 0.00016; TOPMed 0.00033; 1000 Genomes Project 0.00120; 1000 Genomes Project 30x 0.00125.
gnomAD v4.1: 305 of 1,611,506 alleles (0.019%); highest among the groups gnomAD compares: East Asian, 0.57%; 1 homozygote.

Submissions (7):

Labcorp Genetics (formerly Invitae), Labcorp
Classification: Benign for Capillary malformation-arteriovenous malformation syndrome. Last evaluated: 2026-01-21. Review status: criteria provided, single submitter. Criteria: Invitae Variant Classification Sherloc (09022015). Collection method: clinical testing. Allele origin: germline.

Ambry Genetics
Classification: Benign for Cardiovascular phenotype. Last evaluated: 2025-07-15. Review status: criteria provided, single submitter. Criteria: Ambry Variant Classification Scheme 2023. Collection method: clinical testing. Allele origin: germline.

CeGaT Center for Human Genetics Tuebingen
Classification: Likely benign. Last evaluated: 2024-09-01. Review status: criteria provided, single submitter. Criteria: CeGaT Center For Human Genetics Tuebingen Variant Classification Criteria Version 2. Collection method: clinical testing. Allele origin: germline. Affected: yes. Observed: 1 variant allele.
Comment: RASA1: BS1

Fulgent Genetics
Classification: Benign for Basal cell carcinoma, susceptibility to, 1; Capillary malformation-arteriovenous malformation 1. Last evaluated: 2021-07-07. Review status: criteria provided, single submitter. Criteria: ACMG Guidelines, 2015. Collection method: clinical testing. Allele origin: unknown.

ARUP Laboratories, Molecular Genetics and Genomics, ARUP Laboratories
Classification: Likely benign. Last evaluated: 2020-02-28. Review status: criteria provided, single submitter. Criteria: ARUP Molecular Germline Variant Investigation Process. Collection method: clinical testing. Allele origin: germline.

GeneDx
Classification: Likely benign. Last evaluated: 2019-10-18. Review status: criteria provided, single submitter. Criteria: GeneDx Variant Classification Process June 2021. Collection method: clinical testing. Allele origin: germline. Affected: yes.
Comment: See Variant Classification Assertion Criteria.

PreventionGenetics, part of Exact Sciences
Classification: Benign for RASA1-related condition. Last evaluated: 2020-09-22. Review status: no assertion criteria provided. Collection method: clinical testing. Allele origin: germline. Not counted in ClinVar's aggregate classification.
Comment: This variant is classified as benign based on ACMG/AMP sequence variant interpretation guidelines (Richards et al. 2015 PMID: 25741868, with internal and published modifications).